The following is an entry in ClinVar:

NM_001846.4(COL4A2):c.743C>T (p.Pro248Leu)

Gene: COL4A2 (collagen type IV alpha 2 chain; plus strand). Cytogenetic location: 13q34.
Variant type: single nucleotide variant.
Coding change: c.743C>T on transcript NM_001846.4 (MANE Select); coding-DNA position 743, C replaced by T.
Protein change: p.Pro248Leu; replaces proline 248 with leucine.
Molecular consequence: missense variant.
Genome position (GRCh38, 1-based): chr13:110,436,285, C>T. VCF-style: chr13-110436285-C-T. GRCh37 (hg19) VCF-style: chr13-111088632-C-T.
Other names: short protein forms P248L.
Identifiers: ClinVar variation 2872612 (VCV002872612.3), dbSNP rs2502070313, ClinGen allele CA388731276.

ClinVar aggregate classification (germline): Uncertain significance (1 of 4 stars; one submission).

gnomAD v4.1: 9 of 1,613,840 alleles (0.00056%); highest among the groups gnomAD compares: South Asian, 0.0011%; no homozygotes.

Submission:

Labcorp Genetics (formerly Invitae), Labcorp
Classification: Uncertain significance. Last evaluated: 2023-03-14. Review status: criteria provided, single submitter. Criteria: Invitae Variant Classification Sherloc (09022015). Collection method: clinical testing. Allele origin: germline.
Comment: In summary, the available evidence is currently insufficient to determine the role of this variant in disease. Therefore, it has been classified as a Variant of Uncertain Significance. Advanced modeling of protein sequence and biophysical properties (such as structural, functional, and spatial information, amino acid conservation, physicochemical variation, residue mobility, and thermodynamic stability) performed at Invitae indicates that this missense variant is not expected to disrupt COL4A2 protein function. This variant has not been reported in the literature in individuals affected with COL4A2-related conditions. This variant is not present in population databases (gnomAD no frequency). This sequence change replaces proline, which is neutral and non-polar, with leucine, which is neutral and non-polar, at codon 248 of the COL4A2 protein (p.Pro248Leu).